The following is an entry in ClinVar:

ClinVar aggregate classification (germline): Pathogenic/Likely pathogenic. Review status: criteria provided, multiple submitters, no conflicts (2 of 4 stars). 3 submissions from 3 submitters: Pathogenic (2); Likely pathogenic (1). Last evaluated 2024-07-22.

Conditions:
Joubert syndrome and related disorders. Identifiers: Orphanet 140874, MedGen C5679612, MONDO:0015369.
Joubert syndrome. Also called: JOUBERT-BOLTSHAUSER SYNDROME; Familial aplasia of the vermis. Identifiers: Orphanet 475, MedGen C5979921, MONDO:0018772.
Meckel-Gruber syndrome. Also called: DYSENCEPHALIA SPLANCHNOCYSTICA; GRUBER SYNDROME; Dysencephalia splachnocystica. Identifiers: Orphanet 564, MedGen C0265215, MONDO:0018921.
Meckel syndrome, type 6. Identifiers: Orphanet 564, MedGen C2676790, MONDO:0012848, OMIM 612284.
COACH syndrome 2. Identifiers: MedGen C5436837, MONDO:0030859, OMIM 619111.
Joubert syndrome 9 (JBTS9). Identifiers: Orphanet 2318, MedGen C2676788, MONDO:0012849, OMIM 612285.
Retinitis pigmentosa 93. Identifiers: MedGen C5676970, MONDO:0030797, OMIM 619845.

Submissions (3):

Myriad Genetics, Inc.
Classification: Pathogenic for Joubert syndrome and related disorders. Last evaluated: 2024-07-22. Review status: criteria provided, single submitter. Criteria: Myriad Autosomal Dominant, Autosomal Recessive and X-Linked Classification Criteria (2023). Collection method: clinical testing. Allele origin: unknown.
Comment: NM_001080522.2(CC2D2A):c.839delA(Q280Rfs*39) is expected to be pathogenic in the context of CC2D2A-related disorders. This variant is predicted to lead to an abnormal or absent protein product due to the creation of a premature termination codon in CC2D2A, a gene where loss-of-function variants are known to be pathogenic. Please note: this variant was assessed in the context of healthy population screening.

Fulgent Genetics
Classification: Likely pathogenic for Meckel syndrome, type 6; Joubert syndrome 9; COACH syndrome 2; Retinitis pigmentosa 93. Last evaluated: 2024-02-25. Review status: criteria provided, single submitter. Criteria: ACMG Guidelines, 2015. Collection method: clinical testing. Allele origin: germline.

Labcorp Genetics (formerly Invitae), Labcorp
Classification: Pathogenic for Joubert syndrome; Meckel-Gruber syndrome. Last evaluated: 2024-01-24. Review status: criteria provided, single submitter. Criteria: Invitae Variant Classification Sherloc (09022015). Collection method: clinical testing. Allele origin: germline.
Comment: This sequence change creates a premature translational stop signal (p.Gln280Argfs*39) in the CC2D2A gene. It is expected to result in an absent or disrupted protein product. Loss-of-function variants in CC2D2A are known to be pathogenic (PMID: 19777577). This variant is not present in population databases (gnomAD no frequency). This variant has not been reported in the literature in individuals affected with CC2D2A-related conditions. For these reasons, this variant has been classified as Pathogenic.

Literature cited by the submitters: PubMed 19777577 (cited by Labcorp Genetics (formerly Invitae), Labcorp).

NM_001378615.1(CC2D2A):c.839del (p.Gln280fs)

Genes: FBXL5 (F-box and leucine rich repeat protein 5; minus strand), CC2D2A (coiled-coil and C2 domain containing 2A; plus strand). Cytogenetic location: 4p15.32.
Variant type: Deletion.
Coding change: c.839del on transcript NM_001378615.1 (MANE Select); coding-DNA position 839, one base deleted (A; older notation c.839delA).
Protein change: p.Gln280fs; shifts the reading frame from glutamine 280.
Molecular consequence: frameshift variant.
Genome position (GRCh38, 1-based): chr4:15,514,828, A deleted. VCF-style (leftmost placement, unchanged base first): chr4-15514827-CA-C. GRCh37 (hg19) VCF-style: chr4-15516450-CA-C.
Other names: c.839del, p.Gln280fs (NM_001080522.2); c.692del, p.Gln231fs (NM_001378617.1); short protein forms Q280fs, Q231fs.
Identifiers: ClinVar variation 2942128 (VCV002942128.5), dbSNP rs2474921234, ClinGen allele CA2740091219.